The following is an entry in ClinVar:

NM_004360.5(CDH1):c.553G>C (p.Glu185Gln)

Gene: CDH1 (cadherin 1; plus strand). Cytogenetic location: 16q22.1.
Variant type: single nucleotide variant.
Coding change: c.553G>C on transcript NM_004360.5 (MANE Select); coding-DNA position 553, G replaced by C.
Protein change: p.Glu185Gln; replaces glutamic acid 185 with glutamine.
Molecular consequence: missense variant. On other transcripts: 5 prime UTR variant (2).
Genome position (GRCh38, 1-based): chr16:68,808,714, G>C. VCF-style: chr16-68808714-G-C. GRCh37 (hg19) VCF-style: chr16-68842617-G-C.
Other names: c.553G>C (NM_004360.3); c.553G>C, p.Glu185Gln (NM_001317184.2); c.-1063G>C (NM_001317185.2); c.-1267G>C (NM_001317186.2); short protein forms E185Q.
Identifiers: ClinVar variation 1062920 (VCV001062920.12), dbSNP rs1434277339, ClinGen allele CA396457886.

ClinVar aggregate classification (germline): Conflicting classifications of pathogenicity. Review status: criteria provided, conflicting classifications (1 of 4 stars). 2 submissions from 2 submitters: Uncertain significance (1); Likely benign (1). Last evaluated 2026-06-22.

Conditions:
Hereditary cancer-predisposing syndrome. Also called: Tumor predisposition; Hereditary Cancer Syndrome; Hereditary neoplastic syndrome; Neoplastic Syndromes, Hereditary. Identifiers: Orphanet 140162, MedGen C0027672, MeSH D009386, MONDO:0015356.
Hereditary diffuse gastric adenocarcinoma (HDGC). Also called: DIFFUSE GASTRIC AND LOBULAR BREAST CANCER SYNDROME. Identifiers: Orphanet 26106, MedGen C1708349, MONDO:0007648, OMIM 137215.

Allele frequency attached by ClinVar (database versions not stated): TOPMed below 0.00001; gnomAD 0.00001.
gnomAD v4.1: 1 of 1,614,020 alleles (0.000062%); highest among the groups gnomAD compares: Non-Finnish European, 0.000085%; no homozygotes.

Submissions (2):

Ambry Genetics
Classification: Likely benign for Hereditary cancer-predisposing syndrome. Last evaluated: 2026-06-22. Review status: criteria provided, single submitter. Criteria: Ambry Variant Classification Scheme 2023. Collection method: clinical testing. Allele origin: germline.

Labcorp Genetics (formerly Invitae), Labcorp
Classification: Uncertain significance for Hereditary diffuse gastric adenocarcinoma. Last evaluated: 2020-10-22. Review status: criteria provided, single submitter. Criteria: Invitae Variant Classification Sherloc (09022015). Collection method: clinical testing. Allele origin: germline.
Comment: This sequence change replaces glutamic acid with glutamine at codon 185 of the CDH1 protein (p.Glu185Gln). The glutamic acid residue is highly conserved and there is a small physicochemical difference between glutamic acid and glutamine. This variant is not present in population databases (ExAC no frequency). In summary, the available evidence is currently insufficient to determine the role of this variant in disease. Therefore, it has been classified as a Variant of Uncertain Significance. Algorithms developed to predict the effect of missense changes on protein structure and function are either unavailable or do not agree on the potential impact of this missense change (SIFT: "Tolerated"; PolyPhen-2: "Probably Damaging"; Align-GVGD: "Class C0"). This variant has not been reported in the literature in individuals with CDH1-related conditions.